The following is an entry in ClinVar:

NM_153240.5(NPHP3):c.1986G>A (p.Arg662=)

Genes: NPHP3 (nephrocystin 3; minus strand), NPHP3-ACAD11 (NPHP3-ACAD11 readthrough (NMD candidate); minus strand). Cytogenetic location: 3q22.1.
Variant type: single nucleotide variant.
Coding change: c.1986G>A on transcript NM_153240.5 (MANE Select); coding-DNA position 1986, G replaced by A.
Protein change: p.Arg662=; no amino-acid change (arginine 662 retained).
Molecular consequence: synonymous variant. On other transcripts: non-coding transcript variant (1).
Genome position (GRCh38, 1-based): chr3:132,697,362, C>T on the plus strand (G>A on the coding strand, the complement: NPHP3 is on the minus strand). VCF-style: chr3-132697362-C-T. GRCh37 (hg19) VCF-style: chr3-132416206-C-T.
Other names: p.Arg662=.
Identifiers: ClinVar variation 96510 (VCV000096510.22), dbSNP rs77533254, ClinGen allele CA149569.

ClinVar aggregate classification (germline): Benign/Likely benign. Review status: criteria provided, multiple submitters, no conflicts (2 of 4 stars). 10 submissions from 8 submitters: Benign (6); Likely benign (4). Last evaluated 2026-02-02.

Conditions:
Nephronophthisis. Also called: Juvenile Nephronophthisis. Identifiers: Orphanet 655, MedGen C0687120, MONDO:0019005, HP:0000090.
Renal-hepatic-pancreatic dysplasia 1 (RHPD1). Identifiers: MedGen C3715199, MONDO:0008833, OMIM 208540.
Nephronophthisis 3 (NPHP3). Also called: Adolescent nephronophthisis. Identifiers: Orphanet 655, MedGen C1858392, MONDO:0011456, OMIM 604387.
NPHP3-related Meckel-like syndrome. Also called: GOLDSTON SYNDROME; Meckel syndrome type 7. Identifiers: Orphanet 3032, MedGen C2673885, MONDO:0009966, OMIM 267010.

Allele frequency attached by ClinVar (database versions not stated): ExAC 0.00414; gnomAD 0.01398 and 0.01496; TOPMed 0.01503; 1000 Genomes Project 0.01597; ESP Exome Variant Server 0.01654; 1000 Genomes Project 30x 0.01702.
gnomAD v4.1: 3,951 of 1,593,446 alleles (0.25%); highest among the groups gnomAD compares: African/African-American, 4.7%; 85 homozygotes.

Submissions (10):

Labcorp Genetics (formerly Invitae), Labcorp
Classification: Benign for Nephronophthisis. Last evaluated: 2026-02-02. Review status: criteria provided, single submitter. Criteria: Invitae Variant Classification Sherloc (09022015). Collection method: clinical testing. Allele origin: germline.

Mayo Clinic Laboratories, Mayo Clinic
Classification: Benign. Last evaluated: 2022-11-14. Review status: criteria provided, single submitter. Criteria: ACMG Guidelines, 2015. Collection method: clinical testing. Allele origin: germline. Observed: 14 variant alleles.
Comment: BS1, BS2, BP4, BP7

Illumina Laboratory Services, Illumina
Classification: Likely benign for Nephronophthisis 3. Last evaluated: 2017-04-27. Review status: criteria provided, single submitter. Criteria: ICSL Variant Classification Criteria 13 December 2019. Collection method: clinical testing. Allele origin: germline.
Comment: This variant was observed as part of a predisposition screen in an ostensibly healthy population. A literature search was performed for the gene, cDNA change, and amino acid change (where applicable). No publications were found based on this search. Allele frequency data from public databases allowed determination this variant is unlikely to cause disease. Therefore, this variant is classified as likely benign.

Illumina Laboratory Services, Illumina
Classification: Likely benign for NPHP3-related Meckel-like syndrome. Last evaluated: 2017-04-27. Review status: criteria provided, single submitter. Criteria: ICSL Variant Classification Criteria 13 December 2019. Collection method: clinical testing. Allele origin: germline.
Comment: the same text as in the submission from Illumina Laboratory Services, Illumina above.

Illumina Laboratory Services, Illumina
Classification: Likely benign for Renal-hepatic-pancreatic dysplasia 1. Last evaluated: 2017-04-27. Review status: criteria provided, single submitter. Criteria: ICSL Variant Classification Criteria 13 December 2019. Collection method: clinical testing. Allele origin: germline.
Comment: the same text as in the submission from Illumina Laboratory Services, Illumina above.

GeneDx
Classification: Benign. Last evaluated: 2016-06-01. Review status: criteria provided, single submitter. Criteria: GeneDx Variant Classification (06012015). Collection method: clinical testing. Allele origin: germline. Affected: yes.
Comment: This variant is considered likely benign or benign based on one or more of the following criteria: it is a conservative change, it occurs at a poorly conserved position in the protein, it is predicted to be benign by multiple in silico algorithms, and/or has population frequency not consistent with disease.

Center for Pediatric Genomic Medicine, Children's Mercy Hospital and Clinics
Classification: Benign. Last evaluated: 2015-09-28. Review status: criteria provided, single submitter. Criteria: ACMG Guidelines, 2015. Collection method: clinical testing. Allele origin: germline.

Eurofins Ntd Llc (ga)
Classification: Benign. Last evaluated: 2012-10-08. Review status: criteria provided, single submitter. Criteria: EGL Classification Definitions 2015. Collection method: clinical testing. Allele origin: germline. Observed: 2 variant alleles, 2 heterozygotes.

Breakthrough Genomics
Classification: Likely benign. Review status: criteria provided, single submitter. Criteria: ACMG Guidelines, 2015. Collection method: not provided. Allele origin: germline. Inheritance: Autosomal recessive inheritance. Affected: yes.

PreventionGenetics, part of Exact Sciences
Classification: Benign. Review status: criteria provided, single submitter. Criteria: ACMG Guidelines, 2015. Collection method: clinical testing. Allele origin: germline.